The following is an entry in ClinVar:

NM_004522.3(KIF5C):c.709G>A (p.Glu237Lys)

Gene: KIF5C (kinesin family member 5C; plus strand). Cytogenetic location: 2q23.1.
Variant type: single nucleotide variant.
Coding change: c.709G>A on transcript NM_004522.3 (MANE Select); coding-DNA position 709, G replaced by A.
Protein change: p.Glu237Lys; replaces glutamic acid 237 with lysine.
Molecular consequence: missense variant.
Genome position (GRCh38, 1-based): chr2:148,947,018, G>A. VCF-style: chr2-148947018-G-A. GRCh37 (hg19) VCF-style: chr2-149803532-G-A.
Other names: NM_004522.2(KIF5C):c.709G>A(p.Glu237Lys); short protein forms E237K.
Identifiers: ClinVar variation 140740 (VCV000140740.49), dbSNP rs587777570, ClinGen allele CA250283.
Genomic context (GRCh38, chr2:148,947,018, plus strand): 5'-AATGTAGAGACTGAAAAAAAACTCAGTGGGAAACTTTATTTGGTTGATTTGGCTGGGAGC[G>A]AAAAGGTAATTTGTTCTTTATTTGTATTATCTATAATTTTCCCCTTTTATTTGCTTCATT-3'
Protein context (NP_004513.1, residues 227-247): KLYLVDLAGS[Glu237Lys]KVSKTGAEGA

ClinVar aggregate classification (germline): Pathogenic/Likely pathogenic. Review status: criteria provided, multiple submitters, no conflicts (2 of 4 stars). 14 submissions from 14 submitters: Pathogenic (12); Likely pathogenic (1). 1 of the submissions does not count toward it. Last evaluated 2025-11-24.

Conditions:
KIF5C-related disorder. Also called: KIF5C-related condition.
Complex cortical dysplasia with other brain malformations 2. Identifiers: MedGen C3809013, MONDO:0014116, OMIM 615282.

Submissions (14):

PreventionGenetics, part of Exact Sciences
Classification: Pathogenic for KIF5C-related condition. Last evaluated: 2025-11-24. Review status: criteria provided, single submitter. Criteria: ACMG Guidelines, 2015. Collection method: clinical testing. Allele origin: germline.
Comment: The KIF5C c.709G>A variant is predicted to result in the amino acid substitution p.Glu237Lys. This variant has been reported to occur de novo in multiple individuals affected with KIF5C-related intellectual disability (see for example Table S3 in de Ligt et al. 2012. PubMed ID: 23033978; Willemsen et al. 2014. PubMed ID: 24812067; Duquesne et al. 2020. PubMed ID: 32562872; Naim et al. 2022. PubMed ID: 36122673). In vitro experimental studies indicate this variant impacts protein function (Willemsen et al. 2014. PubMed ID: 24812067). Additionally, alternate amino acid substitutions of the same amino acid have been reported in affected individuals (p.Glu237Gly in Table S7 Pagnamenta et al. 2023. PubMed ID: 37946251; p.Glu237Val in Poirier et al. 2013. PubMed ID: 23603762). This variant has not been reported in a large population database (gnomAD), indicating this variant is rare. Taken together, this variant is interpreted as pathogenic.

Dasa
Classification: Pathogenic. Last evaluated: 2025-04-08. Review status: criteria provided, single submitter. Criteria: DASA Assertion Criteria. Collection method: clinical testing. Allele origin: germline.
Comment: NM_004522.3(KIF5C):c.709G>A (p.Glu237Lys) is a missense variant that results in the substitution of glutamic acid with lysine. The affected residue or protein region has prior evidence supporting clinical relevance. De novo occurrence has been reported in an individual with related phenotype. Functional evidence supports a deleterious effect on the gene or gene product (PMID: 29048727; PMID: 32562872; PMID: 24812067). This variant has been recurrently observed in individuals with related phenotype (PMID: 29048727; PMID: 32562872; PMID: 24812067). Multiple computational predictions support a deleterious effect on the gene or gene product. The variant is present at low frequency in population datasets. Based on the available data, this variant is classified as pathogenic.

Institute of Human Genetics, University of Leipzig Medical Center
Classification: Pathogenic for Complex cortical dysplasia with other brain malformations 2. Last evaluated: 2024-12-12. Review status: criteria provided, single submitter. Criteria: ACMG Guidelines, 2015. Collection method: literature only. Allele origin: de novo. Affected: yes.
Comment: PS2_moderate, PM1_supporting, PM2_supporting, PP2, PP3

GeneDx
Classification: Pathogenic. Last evaluated: 2024-07-02. Review status: criteria provided, single submitter. Criteria: GeneDx Variant Classification Process June 2021. Collection method: clinical testing. Allele origin: germline. Affected: yes.
Comment: Published functional studies demonstrate a damaging effect (PMID: 24812067); Not observed in large population cohorts (gnomAD); In silico analysis, which includes protein predictors and evolutionary conservation, supports a deleterious effect; This variant is associated with the following publications: (PMID: 23033978, 28191890, 29671837, 34490615, 26384676, 28867141, 28135719, 29048727, 26633545, 31101064, 31618753, 32562872, 31785789, 37486637, 33057194, 36122673, 35982159, 35231114, 24812067)

Institute of Human Genetics, Heidelberg University
Classification: Likely pathogenic for Complex cortical dysplasia with other brain malformations 2. Last evaluated: 2023-10-04. Review status: criteria provided, single submitter. Criteria: ACMG Guidelines, 2015. Collection method: clinical testing. Allele origin: germline. Affected: yes.

Women's Health and Genetics/Laboratory Corporation of America, LabCorp
Classification: Pathogenic for Complex cortical dysplasia with other brain malformations 2. Last evaluated: 2023-06-23. Review status: criteria provided, single submitter. Criteria: LabCorp Variant Classification Summary - May 2015. Collection method: clinical testing. Allele origin: germline.
Comment: Variant summary: KIF5C c.709G>A (p.Glu237Lys) results in a conservative amino acid change located in the Kinesin motor domain (IPR001752) of the encoded protein sequence. Four of five in-silico tools predict a damaging effect of the variant on protein function. The variant was absent in 243890 control chromosomes (gnomAD). c.709G>A has been reported in the literature in individuals affected with Complex Cortical Dysplasia, microcephaly, developmental disorders, and seizures, including several de novo occurrences (e.g., deLigt_2012, Michels_2017, vanderVen_2021, Duan_2022). These data indicate that the variant is likely to be associated with disease. The following publications have been ascertained in the context of this evaluation (PMID: 35231114, 29048727, 23033978, 34490615). Five submitters have cited clinical-significance assessments for this variant to ClinVar after 2014. All submitters classified the variant as pathogenic. Additionally, another missense variant affecting the same codon, c.710A>T (p.E237V), has been identified in four siblings affected with severe malformations of cortical development and microcephaly, and experimental studies found the variant results in complete absence of detectable ATP hydrolysis and protein mislocalization (PMID: 23603762). Based on the evidence outlined above, the variant was classified as pathogenic.

CeGaT Center for Human Genetics Tuebingen
Classification: Pathogenic. Last evaluated: 2022-07-01. Review status: criteria provided, single submitter. Criteria: CeGaT Center For Human Genetics Tuebingen Variant Classification Criteria Version 2. Collection method: clinical testing. Allele origin: germline. Affected: yes. Observed: 1 variant allele.
Comment: KIF5C: PM2, PM5, PM6, PP2, PP3, PS3:Supporting, PS4:Supporting

Clinical Genetics Laboratory, Skane University Hospital Lund
Classification: Pathogenic. Last evaluated: 2022-05-27. Review status: criteria provided, single submitter. Criteria: ACMG Guidelines, 2015. Collection method: clinical testing. Allele origin: germline. Affected: yes.

Mendelics
Classification: Pathogenic for Complex cortical dysplasia with other brain malformations 2. Last evaluated: 2019-05-28. Review status: criteria provided, single submitter. Criteria: Mendelics Assertion Criteria 2017. Collection method: clinical testing. Allele origin: unknown.

SIB Swiss Institute of Bioinformatics
Classification: Pathogenic for Complex cortical dysplasia with other brain malformations 2. Last evaluated: 2018-05-31. Review status: criteria provided, single submitter. Criteria: ACMG Guidelines, 2015. Collection method: curation. Allele origin: unknown.
Comment: This variant is interpreted as a Pathogenic, for Cortical dysplasia, complex, with other brain malformations 2, in Autosomal Dominant manner. The following ACMG Tag(s) were applied: PP3 => Multiple lines of computational evidence support a deleterious effect on the gene or gene product. PM1 => Located in a mutational hot spot and/or critical and well-established functional domain (e.g., active site of an enzyme) without benign variation. located in the kinesin motor domain and microtubule-binding region. PS3 => Well-established functional studies show a deleterious effect (PMID:24812067). PM6 => Assumed de novo, but without confirmation of paternity and maternity (PMID:29048727) (PMID:23033978). PM2 => Absent from controls (or at extremely low frequency if recessive) in Exome Sequencing Project, 1000 Genomes Project, or Exome Aggregation Consortium. PS4-Moderate => PS4 downgraded in strength to Moderate (PMID:23033978) (PMID:29048727).

Institute of Human Genetics Munich, TUM University Hospital
Classification: Pathogenic for Complex cortical dysplasia with other brain malformations 2. Last evaluated: 2017-11-23. Review status: criteria provided, single submitter. Criteria: Classification criteria August 2017. Collection method: clinical testing. Allele origin: de novo. Inheritance: Autosomal dominant inheritance. Affected: yes. Observed: 1 heterozygote.

Baylor Genetics
Classification: Pathogenic for Cortical dysplasia, complex, with other brain malformations 2. Last evaluated: 2014-10-10. Review status: criteria provided, single submitter. Criteria: Yang et al. 2013. Collection method: clinical testing. Allele origin: de novo. Inheritance: Autosomal dominant inheritance. Affected: yes. Observed: 2 variant alleles, 2 heterozygotes. Study: Adult_WES.

Lifecell International Pvt. Ltd
Classification: Pathogenic for Complex cortical dysplasia with other brain malformations 2. Review status: criteria provided, single submitter. Criteria: ACMG Guidelines, 2015. Collection method: clinical testing. Allele origin: germline. Inheritance: Autosomal dominant inheritance. Affected: yes. Observed: 1 heterozygote.
Comment: A Heterozygous Missense variant c.709G>A in Exon 8 of the KIF5C gene that results in the amino acid substitution p.Glu237Lys was identified. The observed variant is novel in gnomAD exomes and genomes. The severity of the impact of this variant on the protein is high, based on the effect of the protein and REVEL score . Rare Exome Variant Ensemble Learner (REVEL) is an ensembl method for predicting the pathogenicity of missense variants based on a combination of scores from 13 individual tools: MutPred, FATHMM v2.3, VEST 3.0, PolyPhen-2, SIFT, PROVEAN, MutationAssessor, MutationTaster, LRT, GERP++, SiPhy, phyloP, and phastCons. The REVEL score for an individual missense variant can range from 0 to 1, with higher scores reflecting greater likelihood that the variant is disease-causing. ClinVar has also classified this variant as Pathogenic [Variant ID:140740]. The observed variation has previosuly been reported for complex cortical dysplasia with other brain malformations-2. Well-established functional studies show a deleterious effect by Willemsen, Marjolein H., et al., 2014. For these reasons this variant has been classified as Pathogenic.

OMIM
Classification: Pathogenic for CORTICAL DYSPLASIA, COMPLEX, WITH OTHER BRAIN MALFORMATIONS 2. Last evaluated: 2014-07-01. Review status: no assertion criteria provided. Collection method: literature only. Allele origin: germline. Not counted in ClinVar's aggregate classification.

Literature cited by the submitters: PubMed 29048727 (cited by Dasa and Women's Health and Genetics/Laboratory Corporation of America, LabCorp); PubMed 32562872 (cited by Dasa); PubMed 24812067 (cited by 4 submitters); PubMed 23033978 (cited by 4 submitters); PubMed 34490615 (cited by Women's Health and Genetics/Laboratory Corporation of America, LabCorp); PubMed 35231114 (cited by Women's Health and Genetics/Laboratory Corporation of America, LabCorp); PubMed 26633545 (cited by Baylor Genetics).